The following is an entry in ClinVar:

NM_000368.5(TSC1):c.2174A>G (p.Lys725Arg)

Gene: TSC1 (TSC complex subunit 1; minus strand). Cytogenetic location: 9q34.13.
Variant type: single nucleotide variant.
Coding change: c.2174A>G on transcript NM_000368.5 (MANE Select); coding-DNA position 2174, A replaced by G.
Protein change: p.Lys725Arg; replaces lysine 725 with arginine.
Molecular consequence: missense variant. On other transcripts: non-coding transcript variant (4).
Genome position (GRCh38, 1-based): chr9:132,903,685, T>C on the plus strand (A>G on the coding strand, the complement: TSC1 is on the minus strand). VCF-style: chr9-132903685-T-C. GRCh37 (hg19) VCF-style: chr9-135779072-T-C.
Other names: c.1808A>G, p.Lys603Arg (NM_001406622.1, NM_001406623.1, NM_001406625.1 and 2 more transcripts); c.1811A>G, p.Lys604Arg (NM_001406624.1, NM_001362177.2, NM_001406619.1 and 5 more transcripts); c.1223A>G, p.Lys408Arg (NM_001406626.1); c.1220A>G, p.Lys407Arg (NM_001406627.1, NM_001406628.1); c.2171A>G, p.Lys724Arg (NM_001162426.2, NM_001406597.1, NM_001406598.1 and 4 more transcripts); c.2021A>G, p.Lys674Arg (NM_001162427.2, NM_001406610.1); c.2174A>G, p.Lys725Arg (NM_001406592.1, NM_001406593.1, NM_001406594.1 and 5 more transcripts); c.2159A>G, p.Lys720Arg (NM_001406601.1, NM_001406602.1); and 3 more; short protein forms K408R, K674R, K724R, K725R, K604R, K374R, K603R, K673R.
Identifiers: ClinVar variation 2447879 (VCV002447879.5), dbSNP rs1368576380, ClinGen allele CA375360758.

ClinVar aggregate classification (germline): Conflicting classifications of pathogenicity. Review status: criteria provided, conflicting classifications (1 of 4 stars). 2 submissions from 2 submitters: Uncertain significance (1); Likely benign (1). Last evaluated 2023-09-10.

Conditions:
Hereditary cancer-predisposing syndrome. Also called: Hereditary neoplastic syndrome; Tumor predisposition; Neoplastic Syndromes, Hereditary; Hereditary Cancer Syndrome. Identifiers: Orphanet 140162, MedGen C0027672, MeSH D009386, MONDO:0015356.
Tuberous sclerosis 1 (TSC1). Identifiers: Orphanet 805, MedGen C1854465, MONDO:0008612, OMIM 191100.

Allele frequency attached by ClinVar (database versions not stated): gnomAD exomes below 0.00001.

Submissions (2):

Labcorp Genetics (formerly Invitae), Labcorp
Classification: Uncertain significance for Tuberous sclerosis 1. Last evaluated: 2023-09-10. Review status: criteria provided, single submitter. Criteria: Invitae Variant Classification Sherloc (09022015). Collection method: clinical testing. Allele origin: germline.
Comment: This sequence change replaces lysine, which is basic and polar, with arginine, which is basic and polar, at codon 725 of the TSC1 protein (p.Lys725Arg). This variant is not present in population databases (gnomAD no frequency). This variant has not been reported in the literature in individuals affected with TSC1-related conditions. ClinVar contains an entry for this variant (Variation ID: 2447879). Advanced modeling of protein sequence and biophysical properties (such as structural, functional, and spatial information, amino acid conservation, physicochemical variation, residue mobility, and thermodynamic stability) performed at Invitae indicates that this missense variant is not expected to disrupt TSC1 protein function. In summary, the available evidence is currently insufficient to determine the role of this variant in disease. Therefore, it has been classified as a Variant of Uncertain Significance.

Ambry Genetics
Classification: Likely benign for Hereditary cancer-predisposing syndrome. Last evaluated: 2022-12-24. Review status: criteria provided, single submitter. Criteria: Ambry Variant Classification Scheme 2023. Collection method: clinical testing. Allele origin: germline.